The following is an entry in ClinVar:

ClinVar aggregate classification (germline): Uncertain significance (1 of 4 stars; one submission).

gnomAD v4.1: 2 of 1,609,586 alleles (0.00012%); highest among the groups gnomAD compares: African/African-American, 0.0027%; no homozygotes.

Submission:

Women's Health and Genetics/Laboratory Corporation of America, LabCorp
Classification: Uncertain significance. Last evaluated: 2023-05-22. Review status: criteria provided, single submitter. Criteria: LabCorp Variant Classification Summary - May 2015. Collection method: clinical testing. Allele origin: germline.
Comment: Variant summary: CFTR c.3457G>C (p.Val1153Leu) results in a conservative amino acid change located in the ABC transporter type 1, transmembrane domain (IPR011527) of the encoded protein sequence. Three of five in-silico tools predict a benign effect of the variant on protein function. The variant was absent in 250970 control chromosomes (gnomAD). The available data on variant occurrences in the general population are insufficient to allow any conclusion about variant significance. To our knowledge, no occurrence of c.3457G>C in individuals affected with Chronic Pancreatitis Risk and no experimental evidence demonstrating its impact on protein function have been reported. No clinical diagnostic laboratories have submitted clinical-significance assessments for this variant to ClinVar after 2014. Based on the evidence outlined above, the variant was classified as uncertain significance.

NM_000492.4(CFTR):c.3457G>C (p.Val1153Leu)

Genes: CFTR (CF transmembrane conductance regulator; plus strand), CFTR-AS2 (CFTR antisense RNA 2; minus strand). Cytogenetic location: 7q31.2.
Variant type: single nucleotide variant.
Coding change: c.3457G>C on transcript NM_000492.4 (MANE Select); coding-DNA position 3457, G replaced by C.
Protein change: p.Val1153Leu; replaces valine 1153 with leucine.
Molecular consequence: missense variant.
Genome position (GRCh38, 1-based): chr7:117,614,702, G>C. VCF-style: chr7-117614702-G-C. GRCh37 (hg19) VCF-style: chr7-117254756-G-C.
Other names: short protein forms V1153L.
Identifiers: ClinVar variation 2506208 (VCV002506208.1), dbSNP rs143120209, ClinGen allele CA368993711.
Genomic context (GRCh38, chr7:117,614,702, plus strand): 5'-CTGACTTTAGCCATGAATATCATGAGTACATTGCAGTGGGCTGTAAACTCCAGCATAGAT[G>C]TGGATAGCTTGGTAAGTCTTATCATCTTTTTAACTTTTATGAAAAAAATTCAGACAAGTA-3'
Protein context (NP_000483.3, residues 1143-1163): LQWAVNSSID[Val1153Leu]DSLMRSVSRV